The following is an entry in ClinVar:

NM_005236.3(ERCC4):c.2375C>T (p.Thr792Ile)

Gene: ERCC4 (ERCC excision repair 4, endonuclease catalytic subunit; plus strand). Cytogenetic location: 16p13.12.
Variant type: single nucleotide variant.
Coding change: c.2375C>T on transcript NM_005236.3 (MANE Select); coding-DNA position 2375, C replaced by T.
Protein change: p.Thr792Ile; replaces threonine 792 with isoleucine.
Molecular consequence: missense variant.
Genome position (GRCh38, 1-based): chr16:13,947,971, C>T. VCF-style: chr16-13947971-C-T. GRCh37 (hg19) VCF-style: chr16-14041828-C-T.
Other names: short protein forms T792I.
Identifiers: ClinVar variation 4793707 (VCV004793707.1).

ClinVar aggregate classification (germline): Uncertain significance (1 of 4 stars; one submission).

Conditions:
Cockayne syndrome. Identifiers: Orphanet 191, MedGen C0009207, MONDO:0016006.
Fanconi anemia complementation group Q. Identifiers: Orphanet 84, MedGen C3808988, MONDO:0014108, OMIM 615272.
Xeroderma pigmentosum, group F (XPF). Also called: XERODERMA PIGMENTOSUM VI; XP, GROUP F; XERODERMA PIGMENTOSUM, TYPE F; Xeroderma pigmentosum, type 6; ERCC4-Related Xeroderma Pigmentosum; XERODERMA PIGMENTOSUM, COMPLEMENTATION GROUP F. Identifiers: MedGen C0268140, MONDO:0010215, OMIM 278760.

gnomAD v4.1: 3 of 1,614,032 alleles (0.00019%); highest among the groups gnomAD compares: African/African-American, 0.0027%; no homozygotes.

Submission:

Labcorp Genetics (formerly Invitae), Labcorp
Classification: Uncertain significance for Fanconi anemia complementation group Q; Xeroderma pigmentosum, group F; Cockayne syndrome. Last evaluated: 2026-01-29. Review status: criteria provided, single submitter. Criteria: Invitae Variant Classification Sherloc (09022015). Collection method: clinical testing. Allele origin: germline.
Comment: This sequence change replaces threonine, which is neutral and polar, with isoleucine, which is neutral and non-polar, at codon 792 of the ERCC4 protein (p.Thr792Ile). This variant is present in population databases (no rsID available, gnomAD 0.01%). This variant has not been reported in the literature in individuals affected with ERCC4-related conditions. Invitae Evidence Modeling of protein sequence and biophysical properties (such as structural, functional, and spatial information, amino acid conservation, physicochemical variation, residue mobility, and thermodynamic stability) indicates that this missense variant is not expected to disrupt ERCC4 protein function with a negative predictive value of 80%. In summary, the available evidence is currently insufficient to determine the role of this variant in disease. Therefore, it has been classified as a Variant of Uncertain Significance.